The following is an entry in ClinVar:

NM_000046.5(ARSB):c.904G>A (p.Gly302Arg)

Gene: ARSB (arylsulfatase B; minus strand). Cytogenetic location: 5q14.1.
Variant type: single nucleotide variant.
Coding change: c.904G>A on transcript NM_000046.5 (MANE Select); coding-DNA position 904, G replaced by A.
Protein change: p.Gly302Arg; replaces glycine 302 with arginine.
Molecular consequence: missense variant.
Genome position (GRCh38, 1-based): chr5:78,885,822, C>T on the plus strand (G>A on the coding strand, the complement: ARSB is on the minus strand). VCF-style: chr5-78885822-C-T. GRCh37 (hg19) VCF-style: chr5-78181645-C-T.
Other names: p.Gly302Arg; c.904G>A, p.Gly302Arg (NM_198709.3); short protein forms G302R.
Identifiers: ClinVar variation 559822 (VCV000559822.18), dbSNP rs779378413, ClinGen allele CA3318151.

ClinVar aggregate classification (germline): Pathogenic/Likely pathogenic. Review status: criteria provided, multiple submitters, no conflicts (2 of 4 stars). 5 submissions from 5 submitters: Pathogenic (2); Likely pathogenic (2). 1 of the submissions does not count toward it. Last evaluated 2025-10-08.

Conditions:
Mucopolysaccharidosis type 6 (MPS6). Also called: MPS VI; N-ACETYLGALACTOSAMINE-4-SULFATASE DEFICIENCY; ARSB DEFICIENCY; ARYLSULFATASE B DEFICIENCY; MPS 6; Maroteaux Lamy syndrome. Identifiers: Orphanet 583, MedGen C0026709, MONDO:0009661, OMIM 253200.

gnomAD v4.1: 13 of 1,613,998 alleles (0.00081%); highest among the groups gnomAD compares: South Asian, 0.0022%; no homozygotes.

Submissions (5):

Women's Health and Genetics/Laboratory Corporation of America, LabCorp
Classification: Pathogenic for Mucopolysaccharidosis type 6. Last evaluated: 2025-10-08. Review status: criteria provided, single submitter. Criteria: LabCorp Variant Classification Summary - May 2015. Collection method: clinical testing. Allele origin: germline.
Comment: Variant summary: ARSB c.904G>A (p.Gly302Arg) results in a non-conservative amino acid change in the encoded protein sequence. Algorithms developed to predict the effect of missense changes on protein structure and function all suggest that this variant is likely to be disruptive. The variant allele was found at a frequency of 8e-06 in 250844 control chromosomes. c.904G>A has been observed in multiple individuals affected with Mucopolysaccharidosis Type VI (Maroteaux-Lamy Syndrome) (example: Sheth_2024). These data indicate that the variant is very likely to be associated with disease. A different variant resulting in the same amino acid consequence has been classified as pathogenic by our lab (c.904G>C,p.Gly302Arg), supporting the pathogenicity of this variant. The following publication has been ascertained in the context of this evaluation (PMID: 38730490). ClinVar contains an entry for this variant (Variation ID: 559822). Based on the evidence outlined above, the variant was classified as pathogenic.

Labcorp Genetics (formerly Invitae), Labcorp
Classification: Pathogenic for Mucopolysaccharidosis type 6. Last evaluated: 2025-06-14. Review status: criteria provided, single submitter. Criteria: Invitae Variant Classification Sherloc (09022015). Collection method: clinical testing. Allele origin: germline.
Comment: This sequence change replaces glycine, which is neutral and non-polar, with arginine, which is basic and polar, at codon 302 of the ARSB protein (p.Gly302Arg). This variant is present in population databases (rs779378413, gnomAD 0.003%). This missense change has been observed in individual(s) with mucopolysaccharidosis type VI (PMID: 10206678, 17161971, 31009684). ClinVar contains an entry for this variant (Variation ID: 559822). Invitae Evidence Modeling of protein sequence and biophysical properties (such as structural, functional, and spatial information, amino acid conservation, physicochemical variation, residue mobility, and thermodynamic stability) indicates that this missense variant is expected to disrupt ARSB protein function with a positive predictive value of 95%. For these reasons, this variant has been classified as Pathogenic.

Fulgent Genetics
Classification: Likely pathogenic for Mucopolysaccharidosis type 6. Last evaluated: 2024-06-03. Review status: criteria provided, single submitter. Criteria: ACMG Guidelines, 2015. Collection method: clinical testing. Allele origin: germline.

Foundation for Research in Genetics and Endocrinology, FRIGE's Institute of Human Genetics
Classification: Likely pathogenic for Mucopolysaccharidosis type 6. Last evaluated: 2022-08-08. Review status: criteria provided, single submitter. Criteria: ACMG Guidelines, 2015. Collection method: clinical testing. Allele origin: germline. Inheritance: Autosomal recessive inheritance. Affected: yes. Observed: 1 hemizygote.
Comment: A homozygous missense variation in exon 5 of the ARSB gene that results in the amino acid substitution of Arginine for Glycine at codon 302 was detected. The observed variant c.904G>A (p.Gly302Arg) has not been reported in the 1000 genomes and gnomAD databases. The in silico prediction of the variant are possibly damaging by Mutation Taster ,LRT ,MutPred ,FATHMM-MKL, MVP , EIGEN and SIFT. The reference codon is conserved across species. Therefore, the variant meets our criteria to be classified as pathogenic based on absence from controls and in silico prediction models.

Laboratory of Diagnosis and Therapy of Lysosomal Disorders, University of Padova
Classification: Uncertain significance for Mucopolysaccharidosis type 6. Last evaluated: 2018-01-01. Review status: flagged submission. Criteria: ACMG Guidelines, 2015. Collection method: curation. Allele origin: germline. Affected: yes. Not counted in ClinVar's aggregate classification.
Comment: Very low frequency in GnomAD(PM2)
ClinVar note: Reason: Outlier claim with insufficient supporting evidence

Literature cited by the submitters: PubMed 38730490 (cited by Women's Health and Genetics/Laboratory Corporation of America, LabCorp); PubMed 10206678 (cited by Labcorp Genetics (formerly Invitae), Labcorp and Laboratory of Diagnosis and Therapy of Lysosomal Disorders, University of Padova); PubMed 17161971 (cited by Labcorp Genetics (formerly Invitae), Labcorp and Laboratory of Diagnosis and Therapy of Lysosomal Disorders, University of Padova); PubMed 31009684 (cited by Labcorp Genetics (formerly Invitae), Labcorp); PubMed 22133300 (cited by Laboratory of Diagnosis and Therapy of Lysosomal Disorders, University of Padova); PubMed 21791832 (cited by Laboratory of Diagnosis and Therapy of Lysosomal Disorders, University of Padova); PubMed 26909334 (cited by Laboratory of Diagnosis and Therapy of Lysosomal Disorders, University of Padova); PubMed 30118150 (cited by Laboratory of Diagnosis and Therapy of Lysosomal Disorders, University of Padova).